The following is an entry in ClinVar:

NM_014714.4(IFT140):c.1155+1G>A

Genes: IFT140 (intraflagellar transport 140; minus strand), LOC105371046 (uncharacterized LOC105371046; plus strand). Cytogenetic location: 16p13.3.
Variant type: single nucleotide variant.
Coding change: c.1155+1G>A on transcript NM_014714.4 (MANE Select); the canonical splice donor site of the intron after coding-DNA position 1155, G replaced by A.
Molecular consequence: splice donor variant.
Genome position (GRCh38, 1-based): chr16:1,586,129, C>T on the plus strand (G>A on the coding strand, the complement: IFT140 is on the minus strand). VCF-style: chr16-1586129-C-T. GRCh37 (hg19) VCF-style: chr16-1636130-C-T.
Identifiers: ClinVar variation 1723395 (VCV001723395.4), dbSNP rs780965515, ClinGen allele CA7814423.
Genomic context (GRCh38, chr16:1,586,129, plus strand): 5'-CCATGGTCTCCACTTTCATGCAGCAGAAAATGAGTGCACCGAACACCCTTGGAGGCTGTA[C>T]CTGGATTTGCGTGATGTTTCCTTGGAGCTCGGTAGGGGTCTGAAGGGCCCACCTGTCCTT-3'

ClinVar aggregate classification (germline): Likely pathogenic. Review status: criteria provided, multiple submitters, no conflicts (2 of 4 stars). 4 submissions from 4 submitters: Likely pathogenic (4). Last evaluated 2026-01-16.

Conditions:
Retinitis pigmentosa 80 (RP80). Identifiers: MedGen C4540439, MONDO:0054708, OMIM 617781.
Saldino-Mainzer syndrome (SRTD9). Also called: Renal dysplasia, retinal pigmentary dystrophy, cerebellar ataxia and skeletal dysplasia; short-rib thoracic dysplasia 9 with or without polydactyly; CONORENAL SYNDROME; SHORT-RIB THORACIC DYSPLASIA 9 WITHOUT POLYDACTYLY. Identifiers: Orphanet 140969, MedGen C1849437, MONDO:0009964, OMIM 266920.
Retinitis pigmentosa (RP). Identifiers: Orphanet 791, MedGen C0035334, MeSH D012174, MONDO:0019200, OMIM 268000. Inheritance: Autosomal dominant, autosomal recessive and X linked inheritance.
IFT140-related disorder. Also called: IFT140-related condition.
Renal cyst. Also called: Cystic kidney disease; Renal cysts; cystic kidneys. Identifiers: MedGen C3887499, MONDO:0002473, HP:0000107.

Allele frequency attached by ClinVar (database versions not stated): gnomAD exomes below 0.00001; ExAC 0.00001; gnomAD 0.00001.
gnomAD v4.1: 4 of 1,612,254 alleles (0.00025%); highest among the groups gnomAD compares: South Asian, 0.0044%; no homozygotes.

Submissions (4):

PreventionGenetics, part of Exact Sciences
Classification: Likely pathogenic for IFT140-related condition. Last evaluated: 2026-01-16. Review status: criteria provided, single submitter. Criteria: ACMG Guidelines, 2015. Collection method: clinical testing. Allele origin: germline.
Comment: The IFT140 c.1155+1G>A variant is predicted to disrupt the GT donor site and interfere with normal splicing. This variant has been reported in an individual with polycystic kidney disease (Clark et al. 2024. PubMed ID: 39136524). This variant is reported in 0.0033% of alleles in individuals of South Asian descent in gnomAD. Variants that disrupt the consensus splice donor site in IFT140 are expected to be pathogenic. This variant is interpreted as likely pathogenic for both autosomal dominant and autosomal recessive IFT140-related disorders.

Fulgent Genetics
Classification: Likely pathogenic for Saldino-Mainzer syndrome; Retinitis pigmentosa 80. Last evaluated: 2024-06-11. Review status: criteria provided, single submitter. Criteria: ACMG Guidelines, 2015. Collection method: clinical testing. Allele origin: germline.

Victorian Clinical Genetics Services, Murdoch Childrens Research Institute
Classification: Likely pathogenic for Renal cyst. Last evaluated: 2023-07-17. Review status: criteria provided, single submitter. Criteria: ACMG Guidelines, 2015. Collection method: clinical testing. Allele origin: germline. Inheritance: Autosomal dominant inheritance. Affected: yes.
Comment: Based on the classification scheme VCGS_Germline_v1.3.4, this variant is classified as Likely pathogenic. Following criteria are met: 0102 - Loss of function is a known mechanism of disease in this gene and is associated with retinitis pigmentosa 80 (MIM#617781), short-rib thoracic dysplasia 9 with or without polydactyly (MIM#266920) and cystic kidney disease (MONDO#0002473) (PMID: 34890546). (I) 0108 - This gene is associated with both recessive and dominant disease. Retinitis pigmentosa 80 (MIM#617781) and short-rib thoracic dysplasia 9 with or without polydactyly (MIM#266920) are inherited in an autosomal recessive manner, while cystic kidney disease (MONDO#0002473), IFT140-related is inherited in an autosomal dominant manner (OMIM, PMID: 34890546) . (I) 0211 - Canonical splice site variant without proven consequence on splicing (no functional evidence available). (SP) 0251 - This variant is heterozygous. (I) 0304 - Variant is present in gnomAD (v3 and v2) <0.01 (2 heterozygotes, 0 homozygotes). (SP) 0505 - Abnormal splicing is predicted by in silico tools and affected nucleotide is highly conserved. (SP) 0705 - No comparable splice site variants have previous evidence for pathogenicity. (I) 0803 - This variant has limited previous evidence of pathogenicity in an unrelated individual. This variant has been classified as likely pathogenic by a clinical laboratory in ClinVar. (SP) 0905 - No published segregation evidence has been identified for this variant. (I) 1007 - No published functional evidence has been identified for this variant. (I) 1208 - Inheritance information for this variant is not currently available in this individual. (I) Legend: (SP) - Supporting pathogenic, (I) - Information, (SB) - Supporting benign

Women's Health and Genetics/Laboratory Corporation of America, LabCorp
Classification: Likely pathogenic for Retinitis pigmentosa. Last evaluated: 2022-10-03. Review status: criteria provided, single submitter. Criteria: LabCorp Variant Classification Summary - May 2015. Collection method: clinical testing. Allele origin: germline.
Comment: Variant summary: IFT140 c.1155+1G>A is located in a canonical splice-site and is predicted to affect mRNA splicing resulting in a significantly altered protein due to either exon skipping, shortening, or inclusion of intronic material. Several computational tools predict a significant impact on normal splicing: Four predict the variant abolishes a 5 splicing donor site. However, these predictions have yet to be confirmed by functional studies. The variant allele was found at a frequency of 4e-06 in 249872 control chromosomes (gnomAD). To our knowledge, no occurrence of c.1155+1G>A in individuals affected with Retinitis Pigmentosa and no experimental evidence demonstrating its impact on protein function have been reported. No clinical diagnostic laboratories have submitted clinical-significance assessments for this variant to ClinVar after 2014. Based on the evidence outlined above, the variant was classified as likely pathogenic.

Literature cited by the submitters: PubMed 34890546 (cited by Victorian Clinical Genetics Services, Murdoch Childrens Research Institute).